The following is an entry in ClinVar:

NM_152419.3(HGSNAT):c.1753G>C (p.Gly585Arg)

Gene: HGSNAT (heparan-alpha-glucosaminide N-acetyltransferase; plus strand). Cytogenetic location: 8p11.21.
Variant type: single nucleotide variant.
Coding change: c.1753G>C on transcript NM_152419.3 (MANE Select); coding-DNA position 1753, G replaced by C.
Protein change: p.Gly585Arg; replaces glycine 585 with arginine.
Molecular consequence: missense variant.
Genome position (GRCh38, 1-based): chr8:43,199,414, G>C. VCF-style: chr8-43199414-G-C. GRCh37 (hg19) VCF-style: chr8-43054557-G-C.
Other names: c.889G>C, p.Gly297Arg (NM_001363229.2); c.1840G>C, p.Gly614Arg (NM_001363227.2); c.1561G>C, p.Gly521Arg (NM_001363228.2); short protein forms G585R, G614R, G297R, G521R.
Identifiers: ClinVar variation 1450206 (VCV001450206.3), dbSNP rs376476836, ClinGen allele CA371121124.

ClinVar aggregate classification (germline): Uncertain significance (1 of 4 stars; one submission).

Conditions:
Mucopolysaccharidosis, MPS-III-C (MPS3C). Also called: SANFILIPPO SYNDROME C; MPS III C; MPS IIIC (Sanfilippo Syndrome Type C); MUCOPOLYSACCHARIDOSIS, TYPE IIIC; Mucopolysaccharidosis type IIIC (Sanfilippo C); mucopolysaccharidosis type 3C. Identifiers: Orphanet 581, Orphanet 79271, MedGen C0086649, MONDO:0009657, OMIM 252930.
Retinitis pigmentosa 73 (RP73). Identifiers: Orphanet 791, MedGen C4225287, MONDO:0014687, OMIM 616544.

gnomAD v4.1: 1 of 1,604,712 alleles (0.000062%); highest among the groups gnomAD compares: Non-Finnish European, 0.000085%; no homozygotes.

Submission:

Labcorp Genetics (formerly Invitae), Labcorp
Classification: Uncertain significance for Retinitis pigmentosa 73; Mucopolysaccharidosis, MPS-III-C. Last evaluated: 2021-11-04. Review status: criteria provided, single submitter. Criteria: Invitae Variant Classification Sherloc (09022015). Collection method: clinical testing. Allele origin: germline.
Comment: This sequence change replaces glycine, which is neutral and non-polar, with arginine, which is basic and polar, at codon 585 of the HGSNAT protein (p.Gly585Arg). This variant is not present in population databases (gnomAD no frequency). This variant has not been reported in the literature in individuals affected with HGSNAT-related conditions. Advanced modeling of protein sequence and biophysical properties (such as structural, functional, and spatial information, amino acid conservation, physicochemical variation, residue mobility, and thermodynamic stability) performed at Invitae indicates that this missense variant is expected to disrupt HGSNAT protein function. In summary, the available evidence is currently insufficient to determine the role of this variant in disease. Therefore, it has been classified as a Variant of Uncertain Significance.